The following is an entry in ClinVar:

ClinVar aggregate classification (germline): Uncertain significance. Review status: criteria provided, multiple submitters, no conflicts (2 of 4 stars). 3 submissions from 3 submitters: Uncertain significance (3). Last evaluated 2025-09-11.

Conditions:
Encephalopathy, acute, infection-induced (herpes-specific), susceptibility to, 1. Also called: Herpes simplex encephalitis, susceptibility to, 1. Identifiers: Orphanet 1930, MedGen C2750180, MONDO:0024563, OMIM 610551.

Allele frequency attached by ClinVar (database versions not stated): gnomAD 0.00001; TOPMed 0.00001; gnomAD exomes 0.00002.
gnomAD v4.1: 14 of 1,552,980 alleles (0.0009%); highest among the groups gnomAD compares: Non-Finnish European, 0.0011%; no homozygotes.

Submissions (3):

Ambry Genetics
Classification: Uncertain significance. Last evaluated: 2025-09-11. Review status: criteria provided, single submitter. Criteria: Ambry Variant Classification Scheme 2023. Collection method: clinical testing. Allele origin: germline.

CeGaT Center for Human Genetics Tuebingen
Classification: Uncertain significance. Last evaluated: 2024-05-01. Review status: criteria provided, single submitter. Criteria: CeGaT Center For Human Genetics Tuebingen Variant Classification Criteria Version 2. Collection method: clinical testing. Allele origin: germline. Affected: yes. Observed: 1 variant allele.

Labcorp Genetics (formerly Invitae), Labcorp
Classification: Uncertain significance for Encephalopathy, acute, infection-induced (herpes-specific), susceptibility to, 1. Last evaluated: 2022-09-27. Review status: criteria provided, single submitter. Criteria: Invitae Variant Classification Sherloc (09022015). Collection method: clinical testing. Allele origin: germline.
Comment: In summary, the available evidence is currently insufficient to determine the role of this variant in disease. Therefore, it has been classified as a Variant of Uncertain Significance. Experimental studies and prediction algorithms are not available or were not evaluated, and the functional significance of this variant is currently unknown. This variant has not been reported in the literature in individuals affected with UNC93B1-related conditions. This variant is not present in population databases (gnomAD no frequency). This sequence change replaces isoleucine, which is neutral and non-polar, with valine, which is neutral and non-polar, at codon 183 of the UNC93B1 protein (p.Ile183Val).

NM_030930.4(UNC93B1):c.547A>G (p.Ile183Val)

Gene: UNC93B1 (unc-93B1 regulator of TLR signaling; minus strand). Cytogenetic location: 11q13.2.
Variant type: single nucleotide variant.
Coding change: c.547A>G on transcript NM_030930.4 (MANE Select); coding-DNA position 547, A replaced by G.
Protein change: p.Ile183Val; replaces isoleucine 183 with valine.
Molecular consequence: missense variant.
Genome position (GRCh38, 1-based): chr11:67,999,526, T>C on the plus strand (A>G on the coding strand, the complement: UNC93B1 is on the minus strand). VCF-style: chr11-67999526-T-C. GRCh37 (hg19) VCF-style: chr11-67766996-T-C.
Other names: short protein forms I183V.
Identifiers: ClinVar variation 2164070 (VCV002164070.24), dbSNP rs1449056444, ClinGen allele CA381576506.
Genomic context (GRCh38, chr11:67,999,526, plus strand): 5'-GTGGAGGCTTGGCCAGGTCTCCAGCCTCCTGCCCTGCTGCCCACCAGGCTCACCTGGTGA[T>C]GTAGTTGCCCATGGAAGCCCAAAGAGGCACGATGGCCATGCCCAGGGCCACAGCCGAGGG-3'
Protein context (NP_112192.2, residues 173-193): VPLWASMGNY[Ile183Val]TRMAQKYHEY